The following is an entry in ClinVar:

ClinVar aggregate classification (germline): Uncertain significance (1 of 4 stars; one submission).

Conditions:
Heterotopia, periventricular, X-linked dominant (PVNH1). Also called: PERIVENTRICULAR NODULAR HETEROTOPIA 4; HETEROTOPIA, PERIVENTRICULAR, 1; PERIVENTRICULAR NODULAR HETEROTOPIA 1; X-linked periventricular heterotopia. Identifiers: Orphanet 2149, Orphanet 82004, MedGen C1848213, MONDO:0010233, OMIM 300049.
Oto-palato-digital syndrome, type II (OPD2). Also called: Otopalatodigital Syndrome, Type II; FACIOPALATOOSSEOUS SYNDROME; OPD II SYNDROME; Otopalatodigital Syndrome Type 2 (FLNA-OPD2). Identifiers: Orphanet 669, Orphanet 90652, MedGen C1844696, MONDO:0010571, OMIM 304120.
Melnick-Needles syndrome (MNS). Also called: MELNICK-NEEDLES OSTEODYSPLASTY; OSTEODYSPLASTY OF MELNICK AND NEEDLES; Melnick-Needles Syndrome (FLNA-MNS). Identifiers: Orphanet 2484, MedGen C0025237, MONDO:0010650, OMIM 309350.
Frontometaphyseal dysplasia (FMD1). Identifiers: Orphanet 1826, MedGen C0265293, MONDO:0015942.

Submission:

Labcorp Genetics (formerly Invitae), Labcorp
Classification: Uncertain significance for Oto-palato-digital syndrome, type II; Heterotopia, periventricular, X-linked dominant; Frontometaphyseal dysplasia; Melnick-Needles syndrome. Last evaluated: 2026-01-09. Review status: criteria provided, single submitter. Criteria: Invitae Variant Classification Sherloc (09022015). Collection method: clinical testing. Allele origin: germline.
Comment: This sequence change replaces proline, which is neutral and non-polar, with serine, which is neutral and polar, at codon 2028 of the FLNA protein (p.Pro2028Ser). This variant is not present in population databases (gnomAD no frequency). This variant has not been reported in the literature in individuals affected with FLNA-related conditions. Invitae Evidence Modeling of protein sequence and biophysical properties (such as structural, functional, and spatial information, amino acid conservation, physicochemical variation, residue mobility, and thermodynamic stability) indicates that this missense variant is not expected to disrupt FLNA protein function with a negative predictive value of 95%. In summary, the available evidence is currently insufficient to determine the role of this variant in disease. Therefore, it has been classified as a Variant of Uncertain Significance.

NM_001110556.2(FLNA):c.6106C>T (p.Pro2036Ser)

Gene: FLNA (filamin A; minus strand). Cytogenetic location: Xq28.
Variant type: single nucleotide variant.
Coding change: c.6106C>T on transcript NM_001110556.2 (MANE Select); coding-DNA position 6106, C replaced by T.
Protein change: p.Pro2036Ser; replaces proline 2036 with serine.
Molecular consequence: missense variant.
Genome position (GRCh38, 1-based): chrX:154,353,121, G>A on the plus strand (C>T on the coding strand, the complement: FLNA is on the minus strand). VCF-style: chrX-154353121-G-A. GRCh37 (hg19) VCF-style: chrX-153581489-G-A.
Other names: c.6082C>T, p.Pro2028Ser (NM_001456.4); short protein forms P2036S, P2028S.
Identifiers: ClinVar variation 4789578 (VCV004789578.1).